The following is an entry in ClinVar:

ClinVar aggregate classification (germline): Pathogenic (1 of 4 stars; one submission).

Conditions:
Complex neurodevelopmental disorder. Identifiers: Orphanet 528084, MedGen C5568766, MONDO:0100038.
SCN2A-related disorder. Also called: SCN2A-related disorders; SCN2A-related condition. Identifiers: MedGen CN382226, MONDO:1060245.

Submission:

GeneDx
Classification: Pathogenic. Last evaluated: 2019-08-22. Review status: criteria provided, single submitter. Criteria: GeneDx Variant Classification Process June 2021. Collection method: clinical testing. Allele origin: germline. Affected: yes.
Comment: Nonsense variant predicted to result in protein truncation or nonsense mediated decay in a gene for which loss-of-function is a known mechanism of disease; Not observed in large population cohorts (Lek et al., 2016); Has not been previously published as pathogenic or benign to our knowledge

NM_001040142.2(SCN2A):c.4591C>T (p.Gln1531Ter)

Gene: SCN2A (sodium voltage-gated channel alpha subunit 2; plus strand). Cytogenetic location: 2q24.3.
Variant type: single nucleotide variant.
Coding change: c.4591C>T on transcript NM_001040142.2 (MANE Select); coding-DNA position 4591, C replaced by T.
Protein change: p.Gln1531Ter; replaces glutamine 1531 with a stop codon.
Molecular consequence: nonsense.
Genome position (GRCh38, 1-based): chr2:165,386,785, C>T. VCF-style: chr2-165386785-C-T. GRCh37 (hg19) VCF-style: chr2-166243295-C-T.
Other names: c.4591C>T, p.Gln1531Ter (NM_001040143.2, NM_001371246.1, NM_001371247.1 and 1 more transcripts); short protein forms Q1531*.
Identifiers: ClinVar variation 489345 (VCV000489345.6), dbSNP rs1553463032, ClinGen allele CA349036236.
Genomic context (GRCh38, chr2:165,386,785, plus strand): 5'-TTTACATATTATTTGTTCCAGAACAAATTCCAAGGAATGGTCTTTGATTTTGTAACCAAA[C>T]AAGTCTTTGATATCAGCATCATGATCCTCATCTGCCTTAACATGGTCACCATGATGGTGG-3'